The following is an entry in ClinVar:

ClinVar aggregate classification (germline): Uncertain significance. Review status: criteria provided, multiple submitters, no conflicts (2 of 4 stars). 3 submissions from 3 submitters: Uncertain significance (3). Last evaluated 2023-01-29.

Conditions:
Autosomal dominant childhood-onset proximal spinal muscular atrophy without contractures. Also called: KUGELBERG-WELANDER SYNDROME, AUTOSOMAL DOMINANT; SPINAL MUSCULAR ATROPHY, JUVENILE, PROXIMAL, AUTOSOMAL DOMINANT; Spinal muscular atrophy, lower extremity-predominant 1, AD; SPINAL MUSCULAR ATROPHY, CHILDHOOD, PROXIMAL, AUTOSOMAL DOMINANT. Identifiers: Orphanet 209341, Orphanet 363447, MedGen C5780022, MONDO:0008026, OMIM 158600.
Charcot-Marie-Tooth disease axonal type 2O. Also called: CHARCOT-MARIE-TOOTH NEUROPATHY, AXONAL, TYPE 2O; CHARCOT-MARIE-TOOTH DISEASE, AXONAL, AUTOSOMAL DOMINANT, TYPE 2O; Charcot-Marie-Tooth Neuropathy Type 2O; Charcot-Marie-Tooth disease, axonal, type 20. Identifiers: Orphanet 284232, MedGen C3280220, MONDO:0013644, OMIM 614228.
Cortical dysplasia, complex, with other brain malformations 13. Also called: Intellectual disability, autosomal dominant 13. Identifiers: MedGen C3281202, MONDO:0013805, OMIM 614563.

Allele frequency attached by ClinVar (database versions not stated): TOPMed 0.00001.
gnomAD v4.1: 3 of 1,614,124 alleles (0.00019%); highest among the groups gnomAD compares: African/African-American, 0.0027%; no homozygotes.

Submissions (3):

Labcorp Genetics (formerly Invitae), Labcorp
Classification: Uncertain significance for Charcot-Marie-Tooth disease axonal type 2O. Last evaluated: 2023-01-29. Review status: criteria provided, single submitter. Criteria: Invitae Variant Classification Sherloc (09022015). Collection method: clinical testing. Allele origin: germline.
Comment: In summary, the available evidence is currently insufficient to determine the role of this variant in disease. Therefore, it has been classified as a Variant of Uncertain Significance. Algorithms developed to predict the effect of missense changes on protein structure and function (SIFT, PolyPhen-2, Align-GVGD) all suggest that this variant is likely to be tolerated. ClinVar contains an entry for this variant (Variation ID: 451293). This variant has not been reported in the literature in individuals affected with DYNC1H1-related conditions. This variant is present in population databases (no rsID available, gnomAD 0.007%). This sequence change replaces threonine, which is neutral and polar, with methionine, which is neutral and non-polar, at codon 1268 of the DYNC1H1 protein (p.Thr1268Met).

Fulgent Genetics
Classification: Uncertain significance for Autosomal dominant childhood-onset proximal spinal muscular atrophy without contractures; Charcot-Marie-Tooth disease axonal type 2O; Cortical dysplasia, complex, with other brain malformations 13. Last evaluated: 2022-05-18. Review status: criteria provided, single submitter. Criteria: ACMG Guidelines, 2015. Collection method: clinical testing. Allele origin: unknown.

GeneDx
Classification: Uncertain significance. Last evaluated: 2017-08-18. Review status: criteria provided, single submitter. Criteria: GeneDx Variant Classification (06012015). Collection method: clinical testing. Allele origin: germline. Affected: yes.
Comment: The T1268M variant in the DYNC1H1 gene has not been reported previously as a pathogenic variant, nor as a benign variant, to our knowledge. This variant is not observed in large population cohorts (Lek et al., 2016; 1000 Genomes Consortium et al., 2015; Exome Variant Server). The T1268M variant is a non-conservative amino acid substitution, which is likely to impact secondary protein structure as these residues differ in polarity, charge, size and/or other properties. This substitution occurs at a position that is conserved in mammals. In silico analysis is inconsistent in its predictions as to whether or not the variant is damaging to the protein structure/function. We interpret T1268M as a variant of uncertain significance.

NM_001376.5(DYNC1H1):c.3803C>T (p.Thr1268Met)

Gene: DYNC1H1 (dynein cytoplasmic 1 heavy chain 1; plus strand). Cytogenetic location: 14q32.31.
Variant type: single nucleotide variant.
Coding change: c.3803C>T on transcript NM_001376.5 (MANE Select); coding-DNA position 3803, C replaced by T.
Protein change: p.Thr1268Met; replaces threonine 1268 with methionine.
Molecular consequence: missense variant.
Genome position (GRCh38, 1-based): chr14:101,997,273, C>T. VCF-style: chr14-101997273-C-T. GRCh37 (hg19) VCF-style: chr14-102463610-C-T.
Other names: short protein forms T1268M.
Identifiers: ClinVar variation 451293 (VCV000451293.12), dbSNP rs751865408, ClinGen allele CA391036983.
Genomic context (GRCh38, chr14:101,997,273, plus strand): 5'-GGGCCGTGGAAAGCCGCACCACCGACCTGCTGACTGACTGGGAGAAGACCAAGCCTGTCA[C>T]GGTGAGTCCCGCCAGGTGGGGACGCAGGAGACTCCTCACCCAGCAGTGTGATTTGGTGAC-3'
Protein context (NP_001367.2, residues 1258-1278): LTDWEKTKPV[Thr1268Met]GNLRPEEALQ